The following is an entry in ClinVar:

ClinVar aggregate classification (germline): Likely benign (1 of 4 stars; one submission).

Allele frequency attached by ClinVar (database versions not stated): gnomAD exomes below 0.00001; ExAC 0.00001; gnomAD 0.00001; TOPMed 0.00003.
gnomAD v4.1: 5 of 1,614,038 alleles (0.00031%); highest among the groups gnomAD compares: African/African-American, 0.0053%; no homozygotes.

Submission:

CeGaT Center for Human Genetics Tuebingen
Classification: Likely benign. Last evaluated: 2022-04-01. Review status: criteria provided, single submitter. Criteria: CeGaT Center For Human Genetics Tuebingen Variant Classification Criteria Version 2. Collection method: clinical testing. Allele origin: germline. Affected: yes. Observed: 1 variant allele.
Comment: EDC3: BP4, BP7

NM_025083.5(EDC3):c.111C>T (p.Leu37=)

Gene: EDC3 (enhancer of mRNA decapping 3; minus strand). Cytogenetic location: 15q24.1.
Variant type: single nucleotide variant.
Coding change: c.111C>T on transcript NM_025083.5 (MANE Select); coding-DNA position 111, C replaced by T.
Protein change: p.Leu37=; no amino-acid change (leucine 37 retained).
Molecular consequence: synonymous variant. On other transcripts: 5 prime UTR variant (1).
Genome position (GRCh38, 1-based): chr15:74,675,014, G>A on the plus strand (C>T on the coding strand, the complement: EDC3 is on the minus strand). VCF-style: chr15-74675014-G-A. GRCh37 (hg19) VCF-style: chr15-74967355-G-A.
Other names: c.111C>T, p.Leu37= (NM_001142443.3, NM_001142444.3, NM_001351378.2); c.-320C>T (NM_001351379.2).
Identifiers: ClinVar variation 2645545 (VCV002645545.24), dbSNP rs780566357, ClinGen allele CA7659163.